The following is an entry in ClinVar:

NM_198252.3(GSN):c.1171G>C (p.Asp391His)

Gene: GSN (gelsolin; plus strand). Cytogenetic location: 9q33.2.
Variant type: single nucleotide variant.
Coding change: c.1171G>C on transcript NM_198252.3 (MANE Select); coding-DNA position 1171, G replaced by C.
Protein change: p.Asp391His; replaces aspartic acid 391 with histidine.
Molecular consequence: missense variant.
Genome position (GRCh38, 1-based): chr9:121,318,860, G>C. VCF-style: chr9-121318860-G-C. GRCh37 (hg19) VCF-style: chr9-124081138-G-C.
Other names: c.1171G>C, p.Asp391His (NM_001353055.2, NM_001353056.2, NM_001353057.2 and 10 more transcripts); c.1204G>C, p.Asp402His (NM_001353063.2, NM_001353064.2, NM_001127666.2 and 13 more transcripts); c.1324G>C (NM_000177.4); c.1324G>C, p.Asp442His (NM_000177.5); c.1279G>C, p.Asp427His (NM_001127663.2); c.1222G>C, p.Asp408His (NM_001258029.2); c.1195G>C, p.Asp399His (NM_001258030.2); c.1243G>C, p.Asp415His (NM_001353076.2); and 1 more; short protein forms D399H, D402H, D408H, D415H, D173H, D391H, D442H, D427H.
Identifiers: ClinVar variation 1957233 (VCV001957233.6), dbSNP rs142034230, ClinGen allele CA5221159.

ClinVar aggregate classification (germline): Likely benign. Review status: criteria provided, multiple submitters, no conflicts (2 of 4 stars). 2 submissions from 2 submitters: Likely benign (2). Last evaluated 2026-05-19.

Conditions:
GSN-related disorder. Also called: GSN-related condition.

gnomAD v4.1: 117 of 1,613,840 alleles (0.0072%); highest among the groups gnomAD compares: South Asian, 0.0011%; no homozygotes.

Submissions (2):

PreventionGenetics, part of Exact Sciences
Classification: Likely benign for GSN-related condition. Last evaluated: 2026-05-19. Review status: criteria provided, single submitter. Criteria: ACMG Guidelines, 2015. Collection method: clinical testing. Allele origin: germline.
Comment: This variant is classified as likely benign based on ACMG/AMP sequence variant interpretation guidelines (Richards et al. 2015 PMID: 25741868, with internal and published modifications).

Labcorp Genetics (formerly Invitae), Labcorp
Classification: Likely benign. Last evaluated: 2022-10-19. Review status: criteria provided, single submitter. Criteria: Invitae Variant Classification Sherloc (09022015). Collection method: clinical testing. Allele origin: germline.